The following is an entry in ClinVar:

NM_198060.4(NRAP):c.4078C>T (p.Pro1360Ser)

Gene: NRAP (nebulin related anchoring protein; minus strand). Cytogenetic location: 10q25.3.
Variant type: single nucleotide variant.
Coding change: c.4078C>T on transcript NM_198060.4 (MANE Select); coding-DNA position 4078, C replaced by T.
Protein change: p.Pro1360Ser; replaces proline 1360 with serine.
Molecular consequence: missense variant.
Genome position (GRCh38, 1-based): chr10:113,604,758, G>A on the plus strand (C>T on the coding strand, the complement: NRAP is on the minus strand). VCF-style: chr10-113604758-G-A. GRCh37 (hg19) VCF-style: chr10-115364517-G-A.
Other names: c.4078C>T, p.Pro1360Ser (NM_001261463.2); c.3970C>T, p.Pro1324Ser (NM_001322945.2); c.3973C>T, p.Pro1325Ser (NM_006175.5); short protein forms P1324S, P1325S, P1360S.
Identifiers: ClinVar variation 2631465 (VCV002631465.1), dbSNP rs749650466, ClinGen allele CA378432581.

ClinVar aggregate classification (germline): Uncertain significance (1 of 4 stars; one submission).

Conditions:
NRAP-related disorder. Also called: NRAP-related condition.

Allele frequency attached by ClinVar (database versions not stated): TOPMed below 0.00001; gnomAD 0.00001.
gnomAD v4.1: 1 of 1,614,066 alleles (0.000062%); highest among the groups gnomAD compares: African/African-American, 0.0013%; no homozygotes.

Submission:

PreventionGenetics, part of Exact Sciences
Classification: Uncertain significance for NRAP-related condition. Last evaluated: 2023-08-02. Review status: criteria provided, single submitter. Criteria: ACMG Guidelines, 2015. Collection method: clinical testing. Allele origin: germline.
Comment: The NRAP c.4078C>T variant is predicted to result in the amino acid substitution p.Pro1360Ser. To our knowledge, this variant has not been reported in the literature or in a large population database, indicating this variant is rare. At this time, the clinical significance of this variant is uncertain due to the absence of conclusive functional and genetic evidence.